The following is an entry in ClinVar:

ClinVar aggregate classification (germline): Uncertain significance. Review status: criteria provided, single submitter (1 of 4 stars). 2 submissions from 2 submitters: Uncertain significance (1). 1 of the submissions does not count toward it. Last evaluated 2023-12-11.

Conditions:
Pyruvate dehydrogenase E1-alpha deficiency (PDHAD). Also called: ATAXIA, INTERMITTENT, WITH PYRUVATE DEHYDROGENASE DEFICIENCY; ATAXIA WITH LACTIC ACIDOSIS I; ATAXIA, INTERMITTENT, WITH ABNORMAL PYRUVATE METABOLISM; Ataxia, intermittent, with pyruvate dehydrogenase, or decarboxylase, deficiency. Identifiers: Orphanet 79243, MedGen C1839413, MONDO:0010717, OMIM 312170.

Submissions (2):

Labcorp Genetics (formerly Invitae), Labcorp
Classification: Uncertain significance for Pyruvate dehydrogenase E1-alpha deficiency. Last evaluated: 2023-12-11. Review status: criteria provided, single submitter. Criteria: Invitae Variant Classification Sherloc (09022015). Collection method: clinical testing. Allele origin: germline.
Comment: This sequence change replaces valine, which is neutral and non-polar, with phenylalanine, which is neutral and non-polar, at codon 262 of the PDHA1 protein (p.Val262Phe). This variant is not present in population databases (gnomAD no frequency). This missense change has been observed in individual(s) with pyruvate dehydrogenase lipoic acid synthetase deficiency (PMID: 15384102). ClinVar contains an entry for this variant (Variation ID: 2138485). Advanced modeling of protein sequence and biophysical properties (such as structural, functional, and spatial information, amino acid conservation, physicochemical variation, residue mobility, and thermodynamic stability) performed at Invitae indicates that this missense variant is expected to disrupt PDHA1 protein function with a positive predictive value of 95%. In summary, the available evidence is currently insufficient to determine the role of this variant in disease. Therefore, it has been classified as a Variant of Uncertain Significance.

PDHA1 Study Group, University Children’s Hospital, Paracelsus Medical University
Classification: Pathogenic for Pyruvate dehydrogenase E1-alpha deficiency. Last evaluated: 2024-10-15. Review status: no assertion criteria provided. Collection method: research. Allele origin: de novo. Affected: yes. Observed: 1 variant allele. Not counted in ClinVar's aggregate classification.
Comment: The NM_000284.3:c.784G>T (p.Val262Phe) substitution is a missense variant in PDHA1 gene. Among them, 1 case had confirmed de novo occurrence. The variant has been reported in 1 published case (PMIDs: 15384102). Last literature search: July 12, 2024. This variant is absent or extremely rare in population-based cohorts in the Genome Aggregation Database (gnomAD). Individuals harboring this variant presented with clinical features compatible with PDHA1-related PDHc deficiency. In summary, this variant meets criteria to be classified as pathogenic (P) for PDHA1-related PDHc deficiency based on the ACMG/AMP criteria applied: PS2, PS3, PM1, PM2, PM7, PP3 (last assessment October 15, 2024).

Literature cited by the submitters: PubMed 15384102 (cited by Labcorp Genetics (formerly Invitae), Labcorp and PDHA1 Study Group, University Children’s Hospital, Paracelsus Medical University); DOI 10.1093/brain/awaf430 (cited by PDHA1 Study Group, University Children’s Hospital, Paracelsus Medical University).

NM_000284.4(PDHA1):c.784G>T (p.Val262Phe)

Gene: PDHA1 (pyruvate dehydrogenase E1 subunit alpha 1; plus strand). Cytogenetic location: Xp22.12.
Variant type: single nucleotide variant.
Coding change: c.784G>T on transcript NM_000284.4 (MANE Select); coding-DNA position 784, G replaced by T.
Protein change: p.Val262Phe; replaces valine 262 with phenylalanine.
Molecular consequence: missense variant.
Genome position (GRCh38, 1-based): chrX:19,355,710, G>T. VCF-style: chrX-19355710-G-T. GRCh37 (hg19) VCF-style: chrX-19373828-G-T.
Other names: c.784G>T (NM_000284.3); c.898G>T, p.Val300Phe (NM_001173454.2); c.805G>T, p.Val269Phe (NM_001173455.2); c.691G>T, p.Val231Phe (NM_001173456.2); short protein forms V231F, V300F, V262F, V269F.
Identifiers: ClinVar variation 2138485 (VCV002138485.5), dbSNP rs202166915, ClinGen allele CA412394768.